The following is an entry in ClinVar:

NM_014055.4(IFT81):c.1312C>T (p.Arg438Cys)

Gene: IFT81 (intraflagellar transport 81; plus strand). Cytogenetic location: 12q24.11.
Variant type: single nucleotide variant.
Coding change: c.1312C>T on transcript NM_014055.4 (MANE Select); coding-DNA position 1312, C replaced by T.
Protein change: p.Arg438Cys; replaces arginine 438 with cysteine.
Molecular consequence: missense variant. On other transcripts: non-coding transcript variant (4).
Genome position (GRCh38, 1-based): chr12:110,180,545, C>T. VCF-style: chr12-110180545-C-T. GRCh37 (hg19) VCF-style: chr12-110618350-C-T.
Other names: c.1312C>T, p.Arg438Cys (NM_001143779.2); c.382C>T, p.Arg128Cys (NM_001347947.2, NM_001347948.2); short protein forms R128C, R438C.
Identifiers: ClinVar variation 849790 (VCV000849790.10), dbSNP rs777436786, ClinGen allele CA6783327.

ClinVar aggregate classification (germline): Uncertain significance (1 of 4 stars; one submission).

Allele frequency attached by ClinVar (database versions not stated): gnomAD 0.00001; gnomAD exomes 0.00001; TOPMed 0.00002; ExAC 0.00003.
gnomAD v4.1: 13 of 1,604,436 alleles (0.00081%); highest among the groups gnomAD compares: South Asian, 0.0044%; no homozygotes.

Submission:

Labcorp Genetics (formerly Invitae), Labcorp
Classification: Uncertain significance. Last evaluated: 2024-12-02. Review status: criteria provided, single submitter. Criteria: Invitae Variant Classification Sherloc (09022015). Collection method: clinical testing. Allele origin: germline.
Comment: This sequence change replaces arginine, which is basic and polar, with cysteine, which is neutral and slightly polar, at codon 438 of the IFT81 protein (p.Arg438Cys). This variant is present in population databases (rs777436786, gnomAD 0.01%). This variant has not been reported in the literature in individuals affected with IFT81-related conditions. ClinVar contains an entry for this variant (Variation ID: 849790). Invitae Evidence Modeling of protein sequence and biophysical properties (such as structural, functional, and spatial information, amino acid conservation, physicochemical variation, residue mobility, and thermodynamic stability) indicates that this missense variant is expected to disrupt IFT81 protein function with a positive predictive value of 80%. In summary, the available evidence is currently insufficient to determine the role of this variant in disease. Therefore, it has been classified as a Variant of Uncertain Significance.